The following is an entry in ClinVar:

NM_152347.5(EFCAB13):c.1297A>T (p.Lys433Ter)

Gene: EFCAB13 (EF-hand calcium binding domain 13; plus strand). Cytogenetic location: 17q21.32.
Variant type: single nucleotide variant.
Coding change: c.1297A>T on transcript NM_152347.5 (MANE Select); coding-DNA position 1297, A replaced by T.
Protein change: p.Lys433Ter; replaces lysine 433 with a stop codon.
Molecular consequence: nonsense.
Genome position (GRCh38, 1-based): chr17:47,374,891, A>T. VCF-style: chr17-47374891-A-T. GRCh37 (hg19) VCF-style: chr17-45452257-A-T.
Other names: c.1009A>T, p.Lys337Ter (NM_001195192.2, NM_001426588.1); c.1297A>T, p.Lys433Ter (NM_001426585.1); c.1153A>T, p.Lys385Ter (NM_001426586.1, NM_001426587.1); short protein forms K337*, K385*, K433*.
Identifiers: ClinVar variation 3037567 (VCV003037567.2), dbSNP rs74969489, ClinGen allele CA8623897.

ClinVar aggregate classification (germline): Likely benign (0 of 4 stars; one submission).

Conditions:
EFCAB13-related disorder. Also called: EFCAB13-related condition.

Allele frequency attached by ClinVar (database versions not stated): ExAC 0.00958; ESP Exome Variant Server 0.01199; gnomAD exomes 0.01401; 1000 Genomes Project 0.00479; 1000 Genomes Project 30x 0.00547; TOPMed 0.00904; gnomAD 0.00957.
gnomAD v4.1: 21,608 of 1,609,768 alleles (1.3%); highest among the groups gnomAD compares: Non-Finnish European, 1.7%; 191 homozygotes.

Submission:

PreventionGenetics, part of Exact Sciences
Classification: Likely benign for EFCAB13-related condition. Last evaluated: 2019-02-28. Review status: no assertion criteria provided. Collection method: clinical testing. Allele origin: germline.
Comment: This variant is classified as likely benign based on ACMG/AMP sequence variant interpretation guidelines (Richards et al. 2015 PMID: 25741868, with internal and published modifications).